The following is an entry in ClinVar:

NM_018076.5(ODAD2):c.382G>A (p.Ala128Thr)

Gene: ODAD2 (outer dynein arm docking complex subunit 2; minus strand). Cytogenetic location: 10p12.1.
Variant type: single nucleotide variant.
Coding change: c.382G>A on transcript NM_018076.5 (MANE Select); coding-DNA position 382, G replaced by A.
Protein change: p.Ala128Thr; replaces alanine 128 with threonine.
Molecular consequence: missense variant.
Genome position (GRCh38, 1-based): chr10:27,987,386, C>T on the plus strand (G>A on the coding strand, the complement: ODAD2 is on the minus strand). VCF-style: chr10-27987386-C-T. GRCh37 (hg19) VCF-style: chr10-28276315-C-T.
Other names: c.382G>A, p.Ala128Thr (NM_001290020.2); short protein forms A128T.
Identifiers: ClinVar variation 2701822 (VCV002701822.3), dbSNP rs776582852, ClinGen allele CA376397467.

ClinVar aggregate classification (germline): Uncertain significance (1 of 4 stars; one submission).

Conditions:
Primary ciliary dyskinesia 23 (CILD23). Also called: CILIARY DYSKINESIA, PRIMARY, 23, WITH OR WITHOUT SITUS INVERSUS. Identifiers: Orphanet 244, MedGen C3809548, MONDO:0014193, OMIM 615451.

Submission:

Labcorp Genetics (formerly Invitae), Labcorp
Classification: Uncertain significance for Primary ciliary dyskinesia 23. Last evaluated: 2023-12-09. Review status: criteria provided, single submitter. Criteria: Invitae Variant Classification Sherloc (09022015). Collection method: clinical testing. Allele origin: germline.
Comment: This sequence change replaces alanine, which is neutral and non-polar, with threonine, which is neutral and polar, at codon 128 of the ARMC4 protein (p.Ala128Thr). This variant also falls at the last nucleotide of exon 3, which is part of the consensus splice site for this exon. This variant is not present in population databases (gnomAD no frequency). This variant has not been reported in the literature in individuals affected with ARMC4-related conditions. An algorithm developed to predict the effect of missense changes on protein structure and function (PolyPhen-2) suggests that this variant is likely to be disruptive. Variants that disrupt the consensus splice site are a relatively common cause of aberrant splicing (PMID: 17576681, 9536098). Algorithms developed to predict the effect of sequence changes on RNA splicing suggest that this variant may disrupt the consensus splice site. In summary, the available evidence is currently insufficient to determine the role of this variant in disease. Therefore, it has been classified as a Variant of Uncertain Significance.

Literature cited by the submitters: PubMed 17576681; PubMed 9536098.